The following is an entry in ClinVar:

NM_020338.4(ZMIZ1):c.2608T>G (p.Ser870Ala)

Gene: ZMIZ1 (zinc finger MIZ-type containing 1; plus strand). Cytogenetic location: 10q22.3.
Variant type: single nucleotide variant.
Coding change: c.2608T>G on transcript NM_020338.4 (MANE Select); coding-DNA position 2608, T replaced by G.
Protein change: p.Ser870Ala; replaces serine 870 with alanine.
Molecular consequence: missense variant.
Genome position (GRCh38, 1-based): chr10:79,306,284, T>G. VCF-style: chr10-79306284-T-G. GRCh37 (hg19) VCF-style: chr10-81066041-T-G.
Other names: short protein forms S870A.
Identifiers: ClinVar variation 1711918 (VCV001711918.3), dbSNP rs1589612044, ClinGen allele CA377342793.

ClinVar aggregate classification (germline): Uncertain significance. Review status: criteria provided, multiple submitters, no conflicts (2 of 4 stars). 2 submissions from 2 submitters: Uncertain significance (2). Last evaluated 2026-01-06.

Conditions:
ZMIZ1-related disorder. Also called: ZMIZ1-related condition.

Submissions (2):

PreventionGenetics, part of Exact Sciences
Classification: Uncertain significance for ZMIZ1-related condition. Last evaluated: 2026-01-06. Review status: criteria provided, single submitter. Criteria: ACMG Guidelines, 2015. Collection method: clinical testing. Allele origin: germline.
Comment: The ZMIZ1 c.2608T>G variant is predicted to result in the amino acid substitution p.Ser870Ala. To our knowledge, this variant has not been reported in the literature or in a large population database (gnomAD), indicating this variant is rare. At this time, the clinical significance of this variant is uncertain due to the absence of conclusive functional and genetic evidence.

GeneDx
Classification: Uncertain significance. Last evaluated: 2022-04-14. Review status: criteria provided, single submitter. Criteria: GeneDx Variant Classification Process June 2021. Collection method: clinical testing. Allele origin: germline. Affected: yes.
Comment: Not observed at significant frequency in large population cohorts (gnomAD); In silico analysis supports that this missense variant does not alter protein structure/function; Has not been previously published as pathogenic or benign to our knowledge